The following is an entry in ClinVar:

ClinVar aggregate classification (germline): Conflicting classifications of pathogenicity. Review status: criteria provided, conflicting classifications (1 of 4 stars). 4 submissions from 4 submitters: Uncertain significance (3); Benign (1). Last evaluated 2026-01-12.

Conditions:
Ullrich congenital muscular dystrophy 2 (UCMD2). Identifiers: Orphanet 75840, MedGen C4225314, MONDO:0014654, OMIM 616470.
Bethlem myopathy 2 (BTHLM2). Identifiers: Orphanet 536516, Orphanet 610, MedGen C4225313, MONDO:0034022, OMIM 616471.

Allele frequency attached by ClinVar (database versions not stated): ExAC 0.00017; 1000 Genomes Project 30x 0.00047; 1000 Genomes Project 0.00060; ESP Exome Variant Server 0.00100; gnomAD exomes 0.00015.
gnomAD v4.1: 148 of 1,610,136 alleles (0.0092%); highest among the groups gnomAD compares: African/African-American, 0.18%; no homozygotes.

Submissions (4):

Labcorp Genetics (formerly Invitae), Labcorp
Classification: Benign for Bethlem myopathy 2; Ullrich congenital muscular dystrophy 2. Last evaluated: 2026-01-12. Review status: criteria provided, single submitter. Criteria: Invitae Variant Classification Sherloc (09022015). Collection method: clinical testing. Allele origin: germline.

Women's Health and Genetics/Laboratory Corporation of America, LabCorp
Classification: Uncertain significance. Last evaluated: 2025-04-16. Review status: criteria provided, single submitter. Criteria: LabCorp Variant Classification Summary - May 2015. Collection method: clinical testing. Allele origin: germline.
Comment: Variant summary: COL12A1 c.9064C>T (p.Pro3022Ser) results in a non-conservative amino acid change in the encoded protein sequence. Three of five in-silico tools predict a damaging effect of the variant on protein function. The variant allele was found at a frequency of 0.00015 in 244052 control chromosomes, predominantly at a frequency of 0.0022 within the African or African-American subpopulation in the gnomAD database. This frequency is not significantly higher than estimated for a pathogenic variant in COL12A1 causing Ullrich congenital muscular dystrophy 2 (0.00015 vs 0.0035), allowing no conclusion about variant significance. To our knowledge, no occurrence of c.9064C>T in individuals affected with Ullrich congenital muscular dystrophy 2 and no experimental evidence demonstrating its impact on protein function have been reported. ClinVar contains an entry for this variant (Variation ID: 1492488). Based on the evidence outlined above, the variant was classified as uncertain significance.

GeneDx
Classification: Uncertain significance. Last evaluated: 2023-03-13. Review status: criteria provided, single submitter. Criteria: GeneDx Variant Classification Process June 2021. Collection method: clinical testing. Allele origin: germline. Affected: yes.
Comment: In silico analysis supports that this missense variant does not alter protein structure/function; Has not been previously published as pathogenic or benign to our knowledge

Revvity Omics, Revvity
Classification: Uncertain significance. Last evaluated: 2020-06-30. Review status: criteria provided, single submitter. Criteria: ACMG Guidelines, 2015. Collection method: clinical testing. Allele origin: germline.

NM_004370.6(COL12A1):c.9064C>T (p.Pro3022Ser)

Gene: COL12A1 (collagen type XII alpha 1 chain; minus strand). Cytogenetic location: 6q13.
Variant type: single nucleotide variant.
Coding change: c.9064C>T on transcript NM_004370.6 (MANE Select); coding-DNA position 9064, C replaced by T.
Protein change: p.Pro3022Ser; replaces proline 3022 with serine.
Molecular consequence: missense variant.
Genome position (GRCh38, 1-based): chr6:75,087,694, G>A on the plus strand (C>T on the coding strand, the complement: COL12A1 is on the minus strand). VCF-style: chr6-75087694-G-A. GRCh37 (hg19) VCF-style: chr6-75797410-G-A.
Other names: c.9064C>T (NM_004370.5); c.5572C>T, p.Pro1858Ser (NM_080645.3); short protein forms P1858S, P3022S.
Identifiers: ClinVar variation 1492488 (VCV001492488.12), dbSNP rs200901687, ClinGen allele CA3892030.